The following is an entry in ClinVar:

NM_001267550.2(TTN):c.88946C>T (p.Ser29649Leu)

Genes: TTN (titin; minus strand), TTN-AS1 (TTN antisense RNA 1; plus strand). Cytogenetic location: 2q31.2.
Variant type: single nucleotide variant.
Coding change: c.88946C>T on transcript NM_001267550.2 (MANE Select); coding-DNA position 88946, C replaced by T.
Protein change: p.Ser29649Leu; replaces serine 29649 with leucine.
Molecular consequence: missense variant.
Genome position (GRCh38, 1-based): chr2:178,554,165, G>A on the plus strand (C>T on the coding strand, the complement: TTN is on the minus strand). VCF-style: chr2-178554165-G-A. GRCh37 (hg19) VCF-style: chr2-179418892-G-A.
Other names: p.S28008L:TCG>TTG; p.Ser28008Leu; c.84023C>T, p.Ser28008Leu (NM_001256850.1); c.61751C>T, p.Ser20584Leu (NM_003319.4); c.81242C>T, p.Ser27081Leu (NM_133378.4); c.62126C>T, p.Ser20709Leu (NM_133432.3); c.62327C>T, p.Ser20776Leu (NM_133437.4); short protein forms S28008L, S29649L, S20584L, S20709L, S20776L, S27081L.
Identifiers: ClinVar variation 202955 (VCV000202955.30), dbSNP rs764695663, ClinGen allele CA310799.
Genomic context (GRCh38, chr2:178,554,165, plus strand): 5'-AAATAGCCACTTATATCACTACCGCCATCTGCAATTGGCCTGCTCCATACAACAGTCATC[G>A]AATTCTTGGTAATCTTTGTCACTTCTGGTATGCCTGGTGGCCCAGGTGTAACTATTTAGA-3'
Protein context (NP_001254479.2, residues 29639-29659): IPEVTKITKN[Ser29649Leu]MTVVWSRPIA

ClinVar aggregate classification (germline): Uncertain significance. Review status: criteria provided, multiple submitters, no conflicts (2 of 4 stars). 5 submissions from 5 submitters: Uncertain significance (5). Last evaluated 2024-06-01.

Conditions:
Early-onset myopathy with fatal cardiomyopathy (CMYO5). Also called: Salih Myopathy; CONGENITAL MYOPATHY 5 WITH CARDIOMYOPATHY. Identifiers: Orphanet 289377, MedGen C2673677, MONDO:0012714, OMIM 611705. Disease mechanism: loss of function.
Autosomal recessive limb-girdle muscular dystrophy type 2J (LGMDR10). Also called: Limb-girdle muscular dystrophy, type 2J; MUSCULAR DYSTROPHY, LIMB-GIRDLE, AUTOSOMAL RECESSIVE 10. Identifiers: Orphanet 140922, MedGen C1837342, MONDO:0012127, OMIM 608807.
Myopathy, myofibrillar, 9, with early respiratory failure (MFM9). Also called: EDSTROM MYOPATHY; MYOPATHY, PROXIMAL, WITH EARLY RESPIRATORY MUSCLE INVOLVEMENT; Myopathy, distal, with early respiratory failure, autosomal dominant; Hereditary myopathy with early respiratory failure. Identifiers: Orphanet 178464, Orphanet 34521, MedGen C1863599, MONDO:0011362, OMIM 603689.
Dilated cardiomyopathy 1G (CMD1G). Identifiers: Orphanet 154, MedGen C1858763, MONDO:0011400, OMIM 604145.
Tibial muscular dystrophy (TMD). Also called: Tibial muscular dystrophy, tardive; UDD MYOPATHY; Udd Distal Myopathy – Tibial Muscular Dystrophy. Identifiers: Orphanet 609, MedGen C1838244, MONDO:0010870, OMIM 600334.
Hypertrophic cardiomyopathy 9. Also called: Familial hypertrophic cardiomyopathy 9. Identifiers: MedGen C1861065, MONDO:0013412, OMIM 613765.

Allele frequency attached by ClinVar (database versions not stated): gnomAD 0.00002; gnomAD exomes 0.00002 and 0.00006; ExAC 0.00003; TOPMed 0.00005.
gnomAD v4.1: 32 of 1,610,116 alleles (0.002%); highest among the groups gnomAD compares: Admixed American, 0.015%; no homozygotes.

Submissions (5):

CeGaT Center for Human Genetics Tuebingen
Classification: Uncertain significance. Last evaluated: 2024-06-01. Review status: criteria provided, single submitter. Criteria: CeGaT Center For Human Genetics Tuebingen Variant Classification Criteria Version 2. Collection method: clinical testing. Allele origin: germline. Affected: yes. Observed: 1 variant allele.
Comment: TTN: PM2, BP4

Revvity Omics, Revvity
Classification: Uncertain significance. Last evaluated: 2024-04-12. Review status: criteria provided, single submitter. Criteria: ACMG Guidelines, 2015. Collection method: clinical testing. Allele origin: germline.

Mayo Clinic Laboratories, Mayo Clinic
Classification: Uncertain significance. Last evaluated: 2022-08-22. Review status: criteria provided, single submitter. Criteria: ACMG Guidelines, 2015. Collection method: clinical testing. Allele origin: germline. Observed: 1 variant allele.

Fulgent Genetics
Classification: Uncertain significance for Tibial muscular dystrophy; Myopathy, myofibrillar, 9, with early respiratory failure; Dilated cardiomyopathy 1G; Autosomal recessive limb-girdle muscular dystrophy type 2J; Early-onset myopathy with fatal cardiomyopathy; Hypertrophic cardiomyopathy 9. Last evaluated: 2021-07-04. Review status: criteria provided, single submitter. Criteria: ACMG Guidelines, 2015. Collection method: clinical testing. Allele origin: unknown.

GeneDx
Classification: Uncertain significance. Last evaluated: 2014-05-15. Review status: criteria provided, single submitter. Criteria: GeneDx Variant Classification (06012015). Collection method: clinical testing. Allele origin: germline. Affected: yes.
Comment: Missense variants in the TTN gene are considered 'unclassified' if they are not previously reported in the literature and do not have >1% frequency in the population to be considered a polymorphism. Research indicates that truncating mutations in the TTN gene are expected to account for approximately 25% of familial and 18% of sporadic idiopathic DCM; however, truncating variants in the TTN gene have been reported in approximately 3% of reported control alleles. There has been little investigation into non-truncating variants. (Herman D et al. Truncations of titin causing dilated cardiomyopathy. N Eng J Med 366:619-628, 2012) The variant is found in CARDIOMYOPATHY panel(s).